The following is an entry in ClinVar:

ClinVar aggregate classification (germline): Likely pathogenic (1 of 4 stars; one submission).

Conditions:
Glycogen storage disease, type II (IOPD). Also called: Pompe Disease; CARDIOMEGALIA GLYCOGENICA DIFFUSA; GLYCOGENOSIS, GENERALIZED, CARDIAC FORM; GSD II; POMPE DISEASE, INFANTILE-ONSET; GLYCOGEN STORAGE DISEASE II, INFANTILE-ONSET. Identifiers: Orphanet 365, MedGen C0017921, MONDO:0009290, OMIM 232300.

Submission:

Genomenon, Inc
Classification: Likely pathogenic for Glycogen storage disease, type II. Last evaluated: 2026-07-01. Review status: criteria provided, single submitter. Criteria: Genomenon Sequence Variant Interpretation Standards - Updated. Collection method: curation. Allele origin: germline. Affected: no.
Comment: GAA p.Pro788ThrfsTer8 (c.2357dup) is a frameshift variant that is predicted to introduce a premature termination codon and result in a truncated or absent protein product. This variant has been reported in the published literature (PMID:18425781). It is absent or not present at a significant frequency in gnomAD. In conclusion, we classify GAA p.Pro788ThrfsTer8 (c.2357dup) as a likely pathogenic variant.

Literature cited by the submitters: PubMed 18425781.

NM_000152.5(GAA):c.2357dup (p.Pro788fs)

Gene: GAA (alpha glucosidase; plus strand). Cytogenetic location: 17q25.3.
Variant type: Duplication.
Coding change: c.2357dup on transcript NM_000152.5 (MANE Select); coding-DNA position 2357, one base duplicated (T; older notation c.2357dupT).
Protein change: p.Pro788fs; shifts the reading frame from proline 788.
Molecular consequence: frameshift variant.
Genome position (GRCh38, 1-based): chr17:80,117,625, T duplicated. VCF-style (leftmost placement, unchanged base first): chr17-80117624-C-CT. GRCh37 (hg19) VCF-style: chr17-78091423-C-CT.
Other names: c.2357dup, p.Pro788fs (NM_001079803.3, NM_001079804.3, NM_001406741.1 and 1 more transcripts); short protein forms P788fs.
Identifiers: ClinVar variation 4876640 (VCV004876640.1).